The following is an entry in ClinVar:

ClinVar aggregate classification (germline): Uncertain significance (1 of 4 stars; one submission).

Conditions:
Diamond-Blackfan anemia. Also called: Blackfan Diamond syndrome; Aregenerative anemia chronic congenital; Red cell aplasia, pure hereditary; Congenital hypoplastic anemia; Aase syndrome. Identifiers: Orphanet 124, MedGen C1260899, MeSH D029503, MONDO:0015253, HP:0004810.

gnomAD v4.1: 3 of 1,614,028 alleles (0.00019%); highest among the groups gnomAD compares: Non-Finnish European, 0.00025%; no homozygotes.

Submission:

Labcorp Genetics (formerly Invitae), Labcorp
Classification: Uncertain significance for Diamond-Blackfan anemia. Last evaluated: 2025-02-03. Review status: criteria provided, single submitter. Criteria: Invitae Variant Classification Sherloc (09022015). Collection method: clinical testing. Allele origin: germline.
Comment: This sequence change replaces arginine, which is basic and polar, with tryptophan, which is neutral and slightly polar, at codon 41 of the RPS24 protein (p.Arg41Trp). This variant is not present in population databases (gnomAD no frequency). This variant has not been reported in the literature in individuals affected with RPS24-related conditions. An algorithm developed to predict the effect of missense changes on protein structure and function (PolyPhen-2) suggests that this variant is likely to be tolerated. In summary, the available evidence is currently insufficient to determine the role of this variant in disease. Therefore, it has been classified as a Variant of Uncertain Significance.

NM_033022.4(RPS24):c.121C>T (p.Arg41Trp)

Gene: RPS24 (ribosomal protein S24; plus strand). Cytogenetic location: 10q22.3.
Variant type: single nucleotide variant.
Coding change: c.121C>T on transcript NM_033022.4 (MANE Select); coding-DNA position 121, C replaced by T.
Protein change: p.Arg41Trp; replaces arginine 41 with tryptophan.
Molecular consequence: missense variant.
Genome position (GRCh38, 1-based): chr10:78,035,562, C>T. VCF-style: chr10-78035562-C-T. GRCh37 (hg19) VCF-style: chr10-79795320-C-T.
Other names: c.121C>T, p.Arg41Trp (NM_001026.5, NM_001142282.2, NM_001142283.2 and 2 more transcripts); short protein forms R41W.
Identifiers: ClinVar variation 3702137 (VCV003702137.2).